The following is an entry in ClinVar:

NM_000051.4(ATM):c.8436T>A (p.Ser2812=)

Genes: ATM (ATM serine/threonine kinase; plus strand), C11orf65 (chromosome 11 open reading frame 65; minus strand). Cytogenetic location: 11q22.3.
Variant type: single nucleotide variant.
Coding change: c.8436T>A on transcript NM_000051.4 (MANE Select); coding-DNA position 8436, T replaced by A.
Protein change: p.Ser2812=; no amino-acid change (serine 2812 retained).
Molecular consequence: synonymous variant. On other transcripts: intron variant (2).
Genome position (GRCh38, 1-based): chr11:108,345,760, T>A. VCF-style: chr11-108345760-T-A. GRCh37 (hg19) VCF-style: chr11-108216487-T-A.
Other names: c.8436T>A, p.Ser2812= (NM_001351834.2); c.641-36689A>T (NM_001330368.2); c.695-10468A>T (NM_001351110.2).
Identifiers: ClinVar variation 3254184 (VCV003254184.1), dbSNP rs2137025201.

ClinVar aggregate classification (germline): Benign/Likely benign. Review status: criteria provided, multiple submitters, no conflicts (2 of 4 stars). 2 submissions from 2 submitters: Benign (1); Likely benign (1). Last evaluated 2025-12-22.

Conditions:
Ataxia-telangiectasia syndrome (AT). Also called: Ataxia-telangiectasia; Ataxia-telangiectasia, complementation group D; AT, COMPLEMENTATION GROUP C; Ataxia-telangiectasia, complementation group E; LOUIS-BAR SYNDROME; Cerebello-oculocutaneous telangiectasia. Identifiers: Orphanet 100, MedGen C0004135, MONDO:0008840, OMIM 208900.
Familial cancer of breast. Also called: hereditary breast carcinoma; BREAST CANCER, FAMILIAL; Hereditary breast cancer. Identifiers: Orphanet 227535, MedGen C0346153, MONDO:0016419, OMIM 114480. Disease mechanism: loss of function.

Submissions (2):

Labcorp Genetics (formerly Invitae), Labcorp
Classification: Likely benign for Ataxia-telangiectasia syndrome. Last evaluated: 2025-12-22. Review status: criteria provided, single submitter. Criteria: Invitae Variant Classification Sherloc (09022015). Collection method: clinical testing. Allele origin: germline.

Myriad Genetics, Inc.
Classification: Benign for Familial cancer of breast. Last evaluated: 2024-06-20. Review status: criteria provided, single submitter. Criteria: Myriad Autosomal Dominant, Autosomal Recessive and X-Linked Classification Criteria (2023). Collection method: clinical testing. Allele origin: unknown.
Comment: This variant is considered benign. This variant is a silent/synonymous amino acid change and it is not expected to impact splicing.